The following is an entry in ClinVar:

ClinVar aggregate classification (germline): Uncertain significance (1 of 4 stars; one submission).

Conditions:
Congenital myotonia, autosomal dominant form (THD). Also called: THOMSEN DISEASE; Myotonia congenita autosomal dominant. Identifiers: Orphanet 614, MedGen C2936781, MONDO:0008055, OMIM 160800.
Congenital myotonia, autosomal recessive form. Also called: BECKER DISEASE; Becker Generalized Myotonia; myotonia congenita, autosomal recessive. Identifiers: Orphanet 614, MedGen C0751360, MONDO:0009715, OMIM 255700.

Allele frequency attached by ClinVar (database versions not stated): TOPMed below 0.00001.

Submission:

Labcorp Genetics (formerly Invitae), Labcorp
Classification: Uncertain significance for Congenital myotonia, autosomal recessive form; Congenital myotonia, autosomal dominant form. Last evaluated: 2025-01-15. Review status: criteria provided, single submitter. Criteria: Invitae Variant Classification Sherloc (09022015). Collection method: clinical testing. Allele origin: germline.
Comment: This sequence change replaces alanine, which is neutral and non-polar, with serine, which is neutral and polar, at codon 145 of the CLCN1 protein (p.Ala145Ser). This variant also falls at the last nucleotide of exon 3, which is part of the consensus splice site for this exon. This variant is not present in population databases (gnomAD no frequency). This variant has not been reported in the literature in individuals affected with CLCN1-related conditions. ClinVar contains an entry for this variant (Variation ID: 663723). An algorithm developed to predict the effect of missense changes on protein structure and function (PolyPhen-2) suggests that this variant is likely to be disruptive. Variants that disrupt the consensus splice site are a relatively common cause of aberrant splicing (PMID: 17576681, 9536098). Algorithms developed to predict the effect of sequence changes on RNA splicing suggest that this variant may disrupt the consensus splice site. In summary, the available evidence is currently insufficient to determine the role of this variant in disease. Therefore, it has been classified as a Variant of Uncertain Significance.

Literature cited by the submitters: PubMed 17576681; PubMed 9536098.

NM_000083.3(CLCN1):c.433G>T (p.Ala145Ser)

Gene: CLCN1 (chloride voltage-gated channel 1; plus strand). Cytogenetic location: 7q34.
Variant type: single nucleotide variant.
Coding change: c.433G>T on transcript NM_000083.3 (MANE Select); coding-DNA position 433, G replaced by T.
Protein change: p.Ala145Ser; replaces alanine 145 with serine.
Molecular consequence: missense variant. On other transcripts: non-coding transcript variant (1).
Genome position (GRCh38, 1-based): chr7:143,320,795, G>T. VCF-style: chr7-143320795-G-T. GRCh37 (hg19) VCF-style: chr7-143017888-G-T.
Other names: short protein forms A145S.
Identifiers: ClinVar variation 663723 (VCV000663723.8), dbSNP rs1475533366, ClinGen allele CA369683042.